The following is an entry in ClinVar:

ClinVar aggregate classification (germline): Likely benign. Review status: criteria provided, multiple submitters, no conflicts (2 of 4 stars). 3 submissions from 3 submitters: Likely benign (3). Last evaluated 2025-06-04.

Allele frequency attached by ClinVar (database versions not stated): 1000 Genomes Project 30x 0.00016; 1000 Genomes Project 0.00020; TOPMed 0.00056; gnomAD 0.00065; ESP Exome Variant Server 0.00077; ExAC 0.00085; gnomAD exomes 0.00101.

Submissions (3):

Women's Health and Genetics/Laboratory Corporation of America, LabCorp
Classification: Likely benign. Last evaluated: 2025-06-04. Review status: criteria provided, single submitter. Criteria: LabCorp Variant Classification Summary - May 2015. Collection method: clinical testing. Allele origin: germline.

CeGaT Center for Human Genetics Tuebingen
Classification: Likely benign. Last evaluated: 2025-06-01. Review status: criteria provided, single submitter. Criteria: CeGaT Center For Human Genetics Tuebingen Variant Classification Criteria Version 2. Collection method: clinical testing. Allele origin: germline. Affected: yes. Observed: 2 variant alleles.
Comment: VWA1: BP4, BP7

Mayo Clinic Laboratories, Mayo Clinic
Classification: Likely benign. Last evaluated: 2025-05-06. Review status: criteria provided, single submitter. Criteria: ACMG Guidelines, 2015. Collection method: clinical testing. Allele origin: germline. Observed: 2 variant alleles.
Comment: BS1, BP4, BP7

NM_022834.5(VWA1):c.321C>T (p.Arg107=)

Gene: VWA1 (von Willebrand factor A domain containing 1; plus strand). Cytogenetic location: 1p36.33.
Variant type: single nucleotide variant.
Coding change: c.321C>T on transcript NM_022834.5 (MANE Select); coding-DNA position 321, C replaced by T.
Protein change: p.Arg107=; no amino-acid change (arginine 107 retained).
Molecular consequence: synonymous variant. On other transcripts: intron variant (1).
Genome position (GRCh38, 1-based): chr1:1,437,174, C>T. VCF-style: chr1-1437174-C-T. GRCh37 (hg19) VCF-style: chr1-1372554-C-T.
Other names: p.Arg107=; c.74-148C>T (NM_199121.3).
Identifiers: ClinVar variation 3024898 (VCV003024898.24), dbSNP rs147814827, ClinGen allele CA523104.
Genomic context (GRCh38, chr1:1,437,174, plus strand): 5'-CTTCGGCCAGCACAGCTCGGGTGAGGCTGCCCAGGATGCGGTGCGTGCTTCTGCCCAGCG[C>T]ATGGGTGACACCCACACTGGCCTGGCGCTGGTCTATGCCAAGGAACAGCTGTTTGCTGAA-3'
Protein context (NP_073745.2, residues 97-117): AQDAVRASAQ[Arg107=]MGDTHTGLAL